The following is an entry in ClinVar:

ClinVar aggregate classification (germline): Pathogenic/Likely pathogenic. Review status: criteria provided, multiple submitters, no conflicts (2 of 4 stars). 19 submissions from 19 submitters: Pathogenic (13); Likely pathogenic (5). 1 of the submissions does not count toward it. Last evaluated 2026-07-07.

Conditions:
CBS-related disorder. Also called: CBS-related condition.
Cardiovascular phenotype. Identifiers: MedGen CN230736.
Homocystinuria. Identifiers: MedGen C0019880, MONDO:0004737, HP:0002156.
Autosomal recessive CBS-related disorders.
Familial thoracic aortic aneurysm and aortic dissection (TAAD). Also called: Thoracic aortic aneurysms and dissections. Identifiers: Orphanet 91387, MedGen C4707243, MONDO:0019625.
Classic homocystinuria. Also called: HOMOCYSTINURIA WITH OR WITHOUT RESPONSE TO PYRIDOXINE; Homocystinuria due to Cystathionine Beta-Synthase Deficiency; Homocystinuria due to CBS deficiency; Cystathionine beta-synthase deficiency; CBS deficiency. Identifiers: Orphanet 394, MedGen C0751202, MONDO:0009352, OMIM 236200.
HYPERHOMOCYSTEINEMIA, THROMBOTIC, CBS-RELATED. Identifiers: MedGen C3150344, OMIM 236200.

Allele frequency attached by ClinVar (database versions not stated): gnomAD 0.00013; ESP Exome Variant Server 0.00038.

Submissions 1 to 10 of 19:

Molecular Diagnostic Laboratory for Inherited Cardiovascular Disease, Montreal Heart Institute
Classification: Pathogenic for Cardiovascular phenotype. Last evaluated: 2026-07-07. Review status: criteria provided, single submitter. Criteria: ACMG Guidelines, 2015. Collection method: clinical testing. Allele origin: germline. Affected: yes.

PreventionGenetics, part of Exact Sciences
Classification: Likely pathogenic for CBS-related condition. Last evaluated: 2026-05-25. Review status: criteria provided, single submitter. Criteria: ACMG Guidelines, 2015. Collection method: clinical testing. Allele origin: germline.
Comment: The CBS c.146C>T variant is predicted to result in the amino acid substitution p.Pro49Leu. This variant was previously reported in the compound heterozygous or homozygous state in individuals affected with homocystinuria, and appears to be more commonly reported in individuals with a milder clinical phenotype, while at least one individual was asymptomatic at the time of analysis (De Franchis et al. 1998. PubMed ID: 9587029; Stabler et al. 2013. PubMed ID: 23733603; Cozar et al. 2011. PubMed ID: 21520339; Evangelisti et al. 2009. PubMed ID: 18280597; Mendes et al. 2014. PubMed ID: 23974653; Gaustadnes et al. 2002. PubMed ID: 12124992; Poloni et al. 2018. PubMed ID: 29352562). Consistent with this, in vitro functional analysis indicated that the p.Pro49Leu change results in only an ~30% decrease in enzymatic activity compared to wild type (Cozar et al. 2011. PubMed ID: 21520339). In ClinVar, this variant has been reported as pathogenic or likely pathogenic by several outside laboratories (Variation ID: 212872). This variant is reported in 0.031% of alleles in individuals of European (Non-Finnish) descent in gnomAD. This variant is interpreted as likely pathogenic.

Women's Health and Genetics/Laboratory Corporation of America, LabCorp
Classification: Pathogenic for Homocystinuria. Last evaluated: 2026-05-12. Review status: criteria provided, single submitter. Criteria: LabCorp Variant Classification Summary - May 2015. Collection method: clinical testing. Allele origin: germline.
Comment: Variant summary: CBS c.146C>T (p.Pro49Leu) results in a non-conservative amino acid change in the encoded protein sequence. Algorithms developed to predict the effect of missense changes on protein structure and function all suggest that this variant is likely to be disruptive. The variant allele was found at a frequency of 0.00015 in 250590 control chromosomes. This frequency is not significantly higher than estimated for disease-causing variants in CBS, allowing no conclusion about variant significance. c.146C>T has been observed in individuals affected with Homocystinuria with variable clinical presentations (De Franchis_1998, Gaustadnes_2002, Cozar_2011, Stabler_2013). These data indicate that the variant is likely to be associated with disease. Two publications report experimental evidence evaluating an impact on protein function (Cozar_2011, Vicente_2017). The most pronounced variant effect results in 71% of normal activity; however, the mutant protein shows significantly increased binding to CO, which in turn cause inactivation of CBS protein activity, a novel pathogenic mechanism in classical homocystinuria. Internally validated machine learning-based Evidence Modelingof protein sequence and biophysical properties (such as structural, functional, and spatial information, amino acid conservation, physicochemical variation, residue mobility, and thermodynamic stability) indicates that this missense variant is expected to disrupt CBS protein function with a positive predictive value of at least 95%. The following publications have been ascertained in the context of this evaluation (PMID: 21520339, 9587029, 12124992, 20506325, 23733603, 28421128). ClinVar contains an entry for this variant (Variation ID: 212872). Based on the evidence outlined above, the variant was classified as pathogenic.

Labcorp Genetics (formerly Invitae), Labcorp
Classification: Pathogenic for HYPERHOMOCYSTEINEMIA, THROMBOTIC, CBS-RELATED. Last evaluated: 2026-01-18. Review status: criteria provided, single submitter. Criteria: Invitae Variant Classification Sherloc (09022015). Collection method: clinical testing. Allele origin: germline.
Comment: This sequence change replaces proline, which is neutral and non-polar, with leucine, which is neutral and non-polar, at codon 49 of the CBS protein (p.Pro49Leu). This variant is present in population databases (rs148865119, gnomAD 0.03%). This missense change has been observed in individual(s) with homocystinuria (PMID: 9587029, 12124992, 18280597, 21520339, 23733603, 23974653, 25218699, 29352562). In at least one individual the data is consistent with being in trans (on the opposite chromosome) from a pathogenic variant. ClinVar contains an entry for this variant (Variation ID: 212872). Invitae Evidence Modeling of protein sequence and biophysical properties (such as structural, functional, and spatial information, amino acid conservation, physicochemical variation, residue mobility, and thermodynamic stability) indicates that this missense variant is expected to disrupt CBS protein function with a positive predictive value of 95%. Experimental studies have shown that this missense change affects CBS function (PMID: 21520339, 22985361, 23974653). For these reasons, this variant has been classified as Pathogenic.

Natera, Inc.
Classification: Pathogenic for Homocystinuria due to cystathionine beta-synthase deficiency. Last evaluated: 2026-01-16. Review status: criteria provided, single submitter. Criteria: Natera Variant Classification Schema (03/2026). Collection method: clinical testing. Allele origin: germline.
Comment: The c.146C>T variant in CBS is a missense variant predicted to cause substitution of proline to leucine at amino acid 49. This variant has been observed in one or more individuals affected with the associated recessive disease, as either homozygous or compound heterozygous with a second variant (PMID: 23974653, 29352562, 12124992). Given the available evidence, this variant is classified as Pathogenic.

Variantyx, Inc.
Classification: Pathogenic for Autosomal recessive CBS-related disorders. Last evaluated: 2026-01-08. Review status: criteria provided, single submitter. Criteria: Variantyx Assertion Criteria 2022. Collection method: clinical testing. Allele origin: germline. Inheritance: Autosomal recessive inheritance. Affected: no.
Comment: This is a nonsynonymous variant in the CBS gene (OMIM: 613381). Pathogenic variants in this gene have been associated with autosomal recessive CBS-related disorders. This variant has been identified in the homozygous or compound heterozygous state in several individuals reported in the published literature (PMID: 23974653, 23733603, 12124992) (PM3_Strong), and it has been observed to segregate with disease in at least 4 individuals from one family (PMID: 23733603) (PP1_Moderate). Functional studies have shown that this variant alters CBS protein function (PMID: 23974653, 22985361, 21520339) (PS3_Moderate), and multiple computational algorithms predict a deleterious effect for this variant (REVEL score: 0.864) (PP3). This variant is absent from control populations (PM2). Based on the current evidence, this variant is classified as pathogenic for autosomal recessive CBS-related disorders.

Greenwood Genetic Center Diagnostic Laboratories, Greenwood Genetic Center
Classification: Pathogenic for Classic homocystinuria. Last evaluated: 2025-12-19. Review status: criteria provided, single submitter. Criteria: ACMG Guidelines, 2015. Collection method: clinical testing. Allele origin: germline. Affected: yes.
Comment: PS3, PM2, PM3_Strong

Blueprint Genetics
Classification: Pathogenic for CBS-related disorders. Last evaluated: 2024-11-07. Review status: criteria provided, single submitter. Criteria: ACMG Guidelines, 2015. Collection method: clinical testing. Allele origin: germline. Affected: yes. Observed: 5 variant alleles.

GeneDx
Classification: Pathogenic. Last evaluated: 2024-05-17. Review status: criteria provided, single submitter. Criteria: GeneDx Variant Classification Process June 2021. Collection method: clinical testing. Allele origin: germline. Affected: yes.
Comment: In silico analysis supports that this missense variant has a deleterious effect on protein structure/function; This variant is associated with the following publications: (PMID: 10338090, 28550590, 22612060, 9587029, 25087612, 20506325, 28421128, 20308073, 22985361, 31589614, 33848968, 25218699, 29352562, 12124992, 18280597, 32768567, 23974653, 25331909, 21520339, 23733603)

CeGaT Center for Human Genetics Tuebingen
Classification: Likely pathogenic. Last evaluated: 2024-05-01. Review status: criteria provided, single submitter. Criteria: CeGaT Center For Human Genetics Tuebingen Variant Classification Criteria Version 2. Collection method: clinical testing. Allele origin: germline. Affected: yes. Observed: 1 variant allele.
Comment: CBS: PM3:Strong, PM2, PS3:Supporting

NM_000071.3(CBS):c.146C>T (p.Pro49Leu)

Gene: CBS (cystathionine beta-synthase; minus strand). Cytogenetic location: 21q22.3.
Variant type: single nucleotide variant.
Coding change: c.146C>T on transcript NM_000071.3 (MANE Select); coding-DNA position 146, C replaced by T.
Protein change: p.Pro49Leu; replaces proline 49 with leucine.
Molecular consequence: missense variant.
Genome position (GRCh38, 1-based): chr21:43,072,048, G>A on the plus strand (C>T on the coding strand, the complement: CBS is on the minus strand). VCF-style: chr21-43072048-G-A. GRCh37 (hg19) VCF-style: chr21-44492158-G-A.
Other names: p.P49L:CCG>CTG; c.146C>T, p.Pro49Leu (NM_001178008.3, NM_001178009.3, NM_001320298.2); short protein forms P49L.
Identifiers: ClinVar variation 212872 (VCV000212872.66), dbSNP rs148865119, ClinGen allele CA325105.